The following is an entry in ClinVar:

NM_032122.5(DTNBP1):c.874A>G (p.Arg292Gly)

Gene: DTNBP1 (dystrobrevin binding protein 1; minus strand). Cytogenetic location: 6p22.3.
Variant type: single nucleotide variant.
Coding change: c.874A>G on transcript NM_032122.5 (MANE Select); coding-DNA position 874, A replaced by G.
Protein change: p.Arg292Gly; replaces arginine 292 with glycine.
Molecular consequence: missense variant.
Genome position (GRCh38, 1-based): chr6:15,523,157, T>C on the plus strand (A>G on the coding strand, the complement: DTNBP1 is on the minus strand). VCF-style: chr6-15523157-T-C. GRCh37 (hg19) VCF-style: chr6-15523388-T-C.
Other names: c.631A>G, p.Arg211Gly (NM_001271667.2); c.823A>G, p.Arg275Gly (NM_001271668.2); c.769A>G, p.Arg257Gly (NM_001271669.2); short protein forms R292G, R211G, R275G, R257G.
Identifiers: ClinVar variation 226620 (VCV000226620.18), dbSNP rs73369534, ClinGen allele CA3643708.
Genomic context (GRCh38, chr6:15,523,157, plus strand): 5'-CACTGATGTCCCGGGTGGCCGAGTCGGTGCAGGTGGAGGAAGAAGAAGGTGGCTTGGCTC[T>C]TAATTCTGAGGGATTTGGAACCTGGAGGGTAATCTCATTCTGACAGGTACTGGATTCAGG-3'
Protein context (NP_115498.2, residues 282-302): TLQVPNPSEL[Arg292Gly]AKPPSSSSTC

ClinVar aggregate classification (germline): Benign. Review status: criteria provided, multiple submitters, no conflicts (2 of 4 stars). 4 submissions from 4 submitters: Benign (4). Last evaluated 2026-02-02.

Allele frequency attached by ClinVar (database versions not stated): gnomAD exomes 0.00243 and 0.00674; ExAC 0.00829; gnomAD 0.02424 and 0.02600; TOPMed 0.02707; 1000 Genomes Project 0.02796; ESP Exome Variant Server 0.03114; 1000 Genomes Project 30x 0.03186.
gnomAD v4.1: 7,393 of 1,614,228 alleles (0.46%); highest among the groups gnomAD compares: African/African-American, 8.3%; 294 homozygotes.

Submissions (4):

Labcorp Genetics (formerly Invitae), Labcorp
Classification: Benign. Last evaluated: 2026-02-02. Review status: criteria provided, single submitter. Criteria: Invitae Variant Classification Sherloc (09022015). Collection method: clinical testing. Allele origin: germline.

Mayo Clinic Laboratories, Mayo Clinic
Classification: Benign. Last evaluated: 2023-09-10. Review status: criteria provided, single submitter. Criteria: ACMG Guidelines, 2015. Collection method: clinical testing. Allele origin: germline. Observed: 16 variant alleles.

GeneDx
Classification: Benign. Last evaluated: 2019-02-04. Review status: criteria provided, single submitter. Criteria: GeneDx Variant Classification Process June 2021. Collection method: clinical testing. Allele origin: germline. Affected: yes.

Laboratory for Molecular Medicine, Mass General Brigham Personalized Medicine
Classification: Benign. Last evaluated: 2013-02-21. Review status: criteria provided, single submitter. Criteria: LMM Criteria. Collection method: clinical testing. Allele origin: germline. Observed: 2 variant alleles.
Comment: Arg292Gly in exon 10 of DTNBP1: This variant is not expected to have clinical si gnificance because it has been identified in 9.1% (400/4406) of African American chromosomes from a broad population by the NHLBI Exome Sequencing Project (dbSNP rs73369534).